The following is an entry in ClinVar:

ClinVar aggregate classification (germline): Uncertain significance (1 of 4 stars; one submission).

Conditions:
Peroxisome biogenesis disorder. Identifiers: Orphanet 79189, MedGen C1832200, MONDO:0019234. Disease mechanism: loss of function.

Allele frequency attached by ClinVar (database versions not stated): gnomAD exomes below 0.00001.
gnomAD v4.1: 1 of 1,614,064 alleles (0.000062%); highest among the groups gnomAD compares: South Asian, 0.0011%; no homozygotes.

Submission:

Labcorp Genetics (formerly Invitae), Labcorp
Classification: Uncertain significance for Peroxisome biogenesis disorder. Last evaluated: 2024-04-22. Review status: criteria provided, single submitter. Criteria: Invitae Variant Classification Sherloc (09022015). Collection method: clinical testing. Allele origin: germline.
Comment: This sequence change replaces valine, which is neutral and non-polar, with isoleucine, which is neutral and non-polar, at codon 340 of the PEX6 protein (p.Val340Ile). This variant is not present in population databases (gnomAD no frequency). This variant has not been reported in the literature in individuals affected with PEX6-related conditions. ClinVar contains an entry for this variant (Variation ID: 2093704). Advanced modeling of protein sequence and biophysical properties (such as structural, functional, and spatial information, amino acid conservation, physicochemical variation, residue mobility, and thermodynamic stability) performed at Invitae indicates that this missense variant is not expected to disrupt PEX6 protein function with a negative predictive value of 95%. In summary, the available evidence is currently insufficient to determine the role of this variant in disease. Therefore, it has been classified as a Variant of Uncertain Significance.

NM_000287.4(PEX6):c.1018G>A (p.Val340Ile)

Gene: PEX6 (peroxisomal biogenesis factor 6; minus strand). Cytogenetic location: 6p21.1.
Variant type: single nucleotide variant.
Coding change: c.1018G>A on transcript NM_000287.4 (MANE Select); coding-DNA position 1018, G replaced by A.
Protein change: p.Val340Ile; replaces valine 340 with isoleucine.
Molecular consequence: missense variant. On other transcripts: non-coding transcript variant (1).
Genome position (GRCh38, 1-based): chr6:42,974,903, C>T on the plus strand (G>A on the coding strand, the complement: PEX6 is on the minus strand). VCF-style: chr6-42974903-C-T. GRCh37 (hg19) VCF-style: chr6-42942641-C-T.
Other names: c.754G>A, p.Val252Ile (NM_001316313.2); short protein forms V340I, V252I.
Identifiers: ClinVar variation 2093704 (VCV002093704.4), dbSNP rs2481257885, ClinGen allele CA364159521.
Genomic context (GRCh38, chr6:42,974,903, plus strand): 5'-AGCTATCCTCCTTAAAAGGTTAGGTAGCTAACCTGGGTATCTGAAAGTGCCGGTAAAGAA[C>T]ACCGTCATAATTTCCATTAGTGCTGTAGTGGGGAGAAGACACAATTTCGATGTGTAACTC-3'
Protein context (NP_000278.3, residues 330-350): HYSTNGNYDG[Val340Ile]LYRHFQIPRV